The following is an entry in ClinVar:

NM_004370.6(COL12A1):c.2282C>G (p.Ala761Gly)

Gene: COL12A1 (collagen type XII alpha 1 chain; minus strand). Cytogenetic location: 6q13.
Variant type: single nucleotide variant.
Coding change: c.2282C>G on transcript NM_004370.6 (MANE Select); coding-DNA position 2282, C replaced by G.
Protein change: p.Ala761Gly; replaces alanine 761 with glycine.
Molecular consequence: missense variant. On other transcripts: intron variant (1).
Genome position (GRCh38, 1-based): chr6:75,177,818, G>C on the plus strand (C>G on the coding strand, the complement: COL12A1 is on the minus strand). VCF-style: chr6-75177818-G-C. GRCh37 (hg19) VCF-style: chr6-75887534-G-C.
Other names: c.73+24902C>G (NM_080645.3); short protein forms A761G.
Identifiers: ClinVar variation 2083572 (VCV002083572.4), dbSNP rs1425118263, ClinGen allele CA364764158.

ClinVar aggregate classification (germline): Uncertain significance (1 of 4 stars; one submission).

Conditions:
Ullrich congenital muscular dystrophy 2 (UCMD2). Identifiers: Orphanet 75840, MedGen C4225314, MONDO:0014654, OMIM 616470.
Bethlem myopathy 2 (BTHLM2). Identifiers: Orphanet 536516, Orphanet 610, MedGen C4225313, MONDO:0034022, OMIM 616471.

Allele frequency attached by ClinVar (database versions not stated): gnomAD exomes below 0.00001.
gnomAD v4.1: 4 of 1,614,112 alleles (0.00025%); highest among the groups gnomAD compares: Non-Finnish European, 0.00025%; no homozygotes.

Submission:

Labcorp Genetics (formerly Invitae), Labcorp
Classification: Uncertain significance for Bethlem myopathy 2; Ullrich congenital muscular dystrophy 2. Last evaluated: 2022-03-26. Review status: criteria provided, single submitter. Criteria: Invitae Variant Classification Sherloc (09022015). Collection method: clinical testing. Allele origin: germline.
Comment: In summary, the available evidence is currently insufficient to determine the role of this variant in disease. Therefore, it has been classified as a Variant of Uncertain Significance. Algorithms developed to predict the effect of missense changes on protein structure and function (SIFT, PolyPhen-2, Align-GVGD) all suggest that this variant is likely to be tolerated. This variant has not been reported in the literature in individuals affected with COL12A1-related conditions. This variant is present in population databases (no rsID available, gnomAD 0.002%). This sequence change replaces alanine, which is neutral and non-polar, with glycine, which is neutral and non-polar, at codon 761 of the COL12A1 protein (p.Ala761Gly).